The following is an entry in ClinVar:

NM_002087.4(GRN):c.349+12G>T

Gene: GRN (granulin precursor; plus strand). Cytogenetic location: 17q21.31.
Variant type: single nucleotide variant.
Coding change: c.349+12G>T on transcript NM_002087.4 (MANE Select); 12 bases into the intron after coding-DNA position 349, G replaced by T.
Molecular consequence: intron variant.
Genome position (GRCh38, 1-based): chr17:44,349,763, G>T. VCF-style: chr17-44349763-G-T. GRCh37 (hg19) VCF-style: chr17-42427131-G-T.
Identifiers: ClinVar variation 1649293 (VCV001649293.9), dbSNP rs367640963, ClinGen allele CA8601841.
Genomic context (GRCh38, chr17:44,349,763, plus strand): 5'-CGGGGCTTCCACTGCAGTGCAGACGGGCGATCCTGCTTCCAAAGATCAGGTGCAGCTGGG[G>T]TGTGGGTGCAGGGCAGGCAGACGGGCAGCATGTGGAGTCTGGAACCCAGGAGCCCAGCTG-3'

ClinVar aggregate classification (germline): Likely benign. Review status: criteria provided, multiple submitters, no conflicts (2 of 4 stars). 2 submissions from 2 submitters: Likely benign (2). Last evaluated 2025-07-09.

Conditions:
Neuronal ceroid lipofuscinosis 11. Also called: GRN-Related Neuronal Ceroid-Lipofuscinosis. Identifiers: Orphanet 314629, Orphanet 79262, MedGen C3539123, MONDO:0013866, OMIM 614706.
GRN-related frontotemporal lobar degeneration with Tdp43 inclusions (FTD2). Also called: GRN Frontotemporal Dementia; FRONTOTEMPORAL DEMENTIA WITH TDP43 INCLUSIONS, GRN-RELATED; DEMENTIA, HEREDITARY DYSPHASIC DISINHIBITION; FRONTOTEMPORAL LOBAR DEGENERATION WITH UBIQUITIN-POSITIVE INCLUSIONS; FTLD-TDP, GRN-RELATED. Identifiers: Orphanet 100070, Orphanet 282, MedGen C1843792, MONDO:0011842, OMIM 607485. Disease mechanism: loss of function.

Allele frequency attached by ClinVar (database versions not stated): ExAC 0.00007; gnomAD 0.00017 and 0.00018.
gnomAD v4.1: 43 of 1,575,536 alleles (0.0027%); highest among the groups gnomAD compares: African/African-American, 0.054%; no homozygotes.

Submissions (2):

Women's Health and Genetics/Laboratory Corporation of America, LabCorp
Classification: Likely benign. Last evaluated: 2025-07-09. Review status: criteria provided, single submitter. Criteria: LabCorp Variant Classification Summary - May 2015. Collection method: clinical testing. Allele origin: germline.
Comment: Variant summary: GRN c.349+12G>T alters a non-conserved nucleotide located at a position not widely known to affect splicing. Consensus agreement among computation tools predict no significant impact on normal splicing. However, these predictions have yet to be confirmed by functional studies. The variant allele was found at a frequency of 3.6e-05 in 248058 control chromosomes. The available data on variant occurrences in the general population are insufficient to allow any conclusion about variant significance. To our knowledge, no occurrence of c.349+12G>T in individuals affected with Neuronal ceroid lipofuscinosis 11 and no experimental evidence demonstrating its impact on protein function have been reported. ClinVar contains an entry for this variant (Variation ID: 1649293). Based on the evidence outlined above, the variant was classified as likely benign.

Labcorp Genetics (formerly Invitae), Labcorp
Classification: Likely benign for Neuronal ceroid lipofuscinosis 11; GRN-related frontotemporal lobar degeneration with Tdp43 inclusions. Last evaluated: 2022-11-01. Review status: criteria provided, single submitter. Criteria: Invitae Variant Classification Sherloc (09022015). Collection method: clinical testing. Allele origin: germline.